The following is an entry in ClinVar:

NM_000091.5(COL4A3):c.1978C>T (p.Pro660Ser)

Genes: COL4A3 (collagen type IV alpha 3 chain; plus strand), MFF-DT (MFF divergent transcript; minus strand). Cytogenetic location: 2q36.3.
Variant type: single nucleotide variant.
Coding change: c.1978C>T on transcript NM_000091.5 (MANE Select); coding-DNA position 1978, C replaced by T.
Protein change: p.Pro660Ser; replaces proline 660 with serine.
Molecular consequence: missense variant.
Genome position (GRCh38, 1-based): chr2:227,276,435, C>T. VCF-style: chr2-227276435-C-T. GRCh37 (hg19) VCF-style: chr2-228141151-C-T.
Other names: short protein forms P660S.
Identifiers: ClinVar variation 4851553 (VCV004851553.1).

ClinVar aggregate classification (germline): Uncertain significance (1 of 4 stars; one submission).

Conditions:
Alport syndrome 3b, autosomal recessive. Identifiers: MedGen C5882699, MONDO:0957811, OMIM 620536.

Submission:

Genetics laboratory, Institute of Kidney Diseases & Research Centre Dr. H.L. Trivedi Institute Of Transplantation Sciences
Classification: Uncertain significance for Alport syndrome 3b, autosomal recessive. Last evaluated: 2025-08-06. Review status: criteria provided, single submitter. Criteria: ACMG Guidelines, 2015. Collection method: clinical testing. Allele origin: germline. Inheritance: Autosomal recessive inheritance. Affected: yes. Observed: 1 variant allele, 1 homozygote.
Comment: The COL4A3 variant c.1978C>T (p.Pro660Ser) is classified as a Variant of Uncertain Significance based on currently available evidence. Although the variant is rare in population databases, there is insufficient evidence to establish its clinical significance.